The following is an entry in ClinVar:

NM_000532.5(PCCB):c.638del (p.Phe213fs)

Gene: PCCB (propionyl-CoA carboxylase subunit beta; plus strand). Cytogenetic location: 3q22.3.
Variant type: Deletion.
Coding change: c.638del on transcript NM_000532.5 (MANE Select); coding-DNA position 638, one base deleted (T; older notation c.638delT).
Protein change: p.Phe213fs; shifts the reading frame from phenylalanine 213.
Molecular consequence: frameshift variant.
Genome position (GRCh38, 1-based): chr3:136,283,931, T deleted; the last of 2 consecutive T bases (chr3:136,283,930-136,283,931); deleting either gives the same sequence. VCF-style (leftmost placement, unchanged base first): chr3-136283929-CT-C. GRCh37 (hg19) VCF-style: chr3-136002771-CT-C.
Other names: c.698del, p.Phe233fs (NM_001178014.2); short protein forms F213fs, F233fs.
Identifiers: ClinVar variation 459942 (VCV000459942.7), dbSNP rs1196443543, ClinGen allele CA546468411.

ClinVar aggregate classification (germline): Pathogenic/Likely pathogenic. Review status: criteria provided, multiple submitters, no conflicts (2 of 4 stars). 4 submissions from 4 submitters: Pathogenic (2); Likely pathogenic (2). Last evaluated 2024-03-04.

Conditions:
Propionic acidemia (PROP). Also called: GLYCINEMIA, KETOTIC; HYPERGLYCINEMIA WITH KETOACIDOSIS AND LEUKOPENIA; KETOTIC HYPERGLYCINEMIA. Identifiers: Orphanet 35, MedGen C0268579, MONDO:0011628, OMIM 606054, HP:0003571.

Submissions (4):

Baylor Genetics
Classification: Likely pathogenic for Propionic acidemia. Last evaluated: 2024-03-04. Review status: criteria provided, single submitter. Criteria: ACMG Guidelines, 2015. Collection method: clinical testing. Allele origin: unknown.

Fulgent Genetics
Classification: Likely pathogenic for Propionic acidemia. Last evaluated: 2024-01-20. Review status: criteria provided, single submitter. Criteria: ACMG Guidelines, 2015. Collection method: clinical testing. Allele origin: germline.

Myriad Genetics, Inc.
Classification: Pathogenic for Propionic acidemia. Last evaluated: 2023-12-09. Review status: criteria provided, single submitter. Criteria: Myriad Autosomal Dominant, Autosomal Recessive and X-Linked Classification Criteria (2023). Collection method: clinical testing. Allele origin: unknown.
Comment: NM_000532.4(PCCB):c.638delT(F213Sfs*5) is expected to be pathogenic in the context of PCCB-related propionic acidemia. This variant is predicted to lead to an abnormal or absent protein product due to the creation of a premature termination codon in PCCB, a gene where loss-of-function variants are known to be pathogenic. Please note: this variant was assessed in the context of healthy population screening.

Labcorp Genetics (formerly Invitae), Labcorp
Classification: Pathogenic for Propionic acidemia. Last evaluated: 2021-01-22. Review status: criteria provided, single submitter. Criteria: Invitae Variant Classification Sherloc (09022015). Collection method: clinical testing. Allele origin: germline.
Comment: This sequence change creates a premature translational stop signal (p.Phe213Serfs*5) in the PCCB gene. It is expected to result in an absent or disrupted protein product. Loss-of-function variants in PCCB are known to be pathogenic (PMID: 15464417). This variant is not present in population databases (ExAC no frequency). This variant has not been reported in the literature in individuals with PCCB-related conditions. ClinVar contains an entry for this variant (Variation ID: 459942). For these reasons, this variant has been classified as Pathogenic.

Literature cited by the submitters: PubMed 15464417 (cited by Labcorp Genetics (formerly Invitae), Labcorp).